The following is an entry in ClinVar:

NM_016008.4(DYNC2LI1):c.853C>A (p.Pro285Thr)

Gene: DYNC2LI1 (dynein cytoplasmic 2 light intermediate chain 1; plus strand). Cytogenetic location: 2p21.
Variant type: single nucleotide variant.
Coding change: c.853C>A on transcript NM_016008.4 (MANE Select); coding-DNA position 853, C replaced by A.
Protein change: p.Pro285Thr; replaces proline 285 with threonine.
Molecular consequence: missense variant.
Genome position (GRCh38, 1-based): chr2:43,804,692, C>A. VCF-style: chr2-43804692-C-A. GRCh37 (hg19) VCF-style: chr2-44031831-C-A.
Other names: c.856C>A, p.Pro286Thr (NM_001193464.2, NM_001348913.2); c.853C>A, p.Pro285Thr (NM_001348912.2); short protein forms P285T, P286T.
Identifiers: ClinVar variation 1957492 (VCV001957492.5), dbSNP rs780816640, ClinGen allele CA1636037.

ClinVar aggregate classification (germline): Uncertain significance (1 of 4 stars; one submission).

Allele frequency attached by ClinVar (database versions not stated): ExAC 0.00001; TOPMed 0.00001.
gnomAD v4.1: 2 of 1,607,930 alleles (0.00012%); highest among the groups gnomAD compares: Admixed American, 0.0017%; no homozygotes.

Submission:

Labcorp Genetics (formerly Invitae), Labcorp
Classification: Uncertain significance. Last evaluated: 2022-08-23. Review status: criteria provided, single submitter. Criteria: Invitae Variant Classification Sherloc (09022015). Collection method: clinical testing. Allele origin: germline.
Comment: In summary, the available evidence is currently insufficient to determine the role of this variant in disease. Therefore, it has been classified as a Variant of Uncertain Significance. Algorithms developed to predict the effect of missense changes on protein structure and function are either unavailable or do not agree on the potential impact of this missense change (SIFT: "Tolerated"; PolyPhen-2: "Possibly Damaging"; Align-GVGD: "Class C0"). This variant has not been reported in the literature in individuals affected with DYNC2LI1-related conditions. This variant is present in population databases (rs780816640, gnomAD 0.003%). This sequence change replaces proline, which is neutral and non-polar, with threonine, which is neutral and polar, at codon 285 of the DYNC2LI1 protein (p.Pro285Thr).